The following is an entry in ClinVar:

ClinVar aggregate classification (germline): Likely benign (1 of 4 stars; one submission).

Submission:

CeGaT Center for Human Genetics Tuebingen
Classification: Likely benign. Last evaluated: 2022-12-01. Review status: criteria provided, single submitter. Criteria: CeGaT Center For Human Genetics Tuebingen Variant Classification Criteria Version 2. Collection method: clinical testing. Allele origin: germline. Affected: yes. Observed: 1 variant allele.
Comment: DNMT1: PM2:Supporting, BP4, BP7

NM_001130823.3(DNMT1):c.2289T>C (p.Tyr763=)

Gene: DNMT1 (DNA methyltransferase 1; minus strand). Cytogenetic location: 19p13.2.
Variant type: single nucleotide variant.
Coding change: c.2289T>C on transcript NM_001130823.3 (MANE Select); coding-DNA position 2289, T replaced by C.
Protein change: p.Tyr763=; no amino-acid change (tyrosine 763 retained).
Molecular consequence: synonymous variant.
Genome position (GRCh38, 1-based): chr19:10,149,945, A>G on the plus strand (T>C on the coding strand, the complement: DNMT1 is on the minus strand). VCF-style: chr19-10149945-A-G. GRCh37 (hg19) VCF-style: chr19-10260621-A-G.
Other names: c.2241T>C, p.Tyr747= (NM_001318730.2, NM_001379.4); c.1926T>C, p.Tyr642= (NM_001318731.2).
Identifiers: ClinVar variation 1879415 (VCV001879415.29), dbSNP rs2513809577, ClinGen allele CA505343562.